The following is an entry in ClinVar:

ClinVar aggregate classification (germline): Benign/Likely benign. Review status: criteria provided, multiple submitters, no conflicts (2 of 4 stars). 16 submissions from 16 submitters: Benign (12); Likely benign (1). 3 of the submissions do not count toward it. Last evaluated 2026-02-04.

Conditions:
Inborn genetic diseases. Identifiers: MedGen C0950123, MeSH D030342.
Hypogonadotropic hypogonadism 5 with or without anosmia (KAL5). Also called: CHD7-Related GnRH Deficiency (Kallmann Syndrome 5); HYPOGONADOTROPIC HYPOGONADISM 5 WITH ANOSMIA; HYPOGONADOTROPHIC HYPOGONADISM 5 WITHOUT ANOSMIA. Identifiers: Orphanet 478, MedGen C3552553, MONDO:0012880, OMIM 612370. Disease mechanism: loss of function.
CHARGE syndrome (CHARGE). Also called: CHARGE ASSOCIATION--COLOBOMA, HEART ANOMALY, CHOANAL ATRESIA, RETARDATION, GENITAL AND EAR ANOMALIES; Hittner Hirsch Kreh syndrome; Coloboma, heart anomaly, choanal atresia, retardation, genital and ear anomalies; CHARGE association; Hall-Hittner syndrome. Identifiers: Orphanet 138, MedGen C0265354, MONDO:0008965.

Allele frequency attached by ClinVar (database versions not stated): 1000 Genomes Project 30x 0.03076; 1000 Genomes Project 0.03195; gnomAD 0.04082 and 0.04090; TOPMed 0.03892; gnomAD exomes 0.04622 and 0.05618; ESP Exome Variant Server 0.04422; ExAC 0.04720.
gnomAD v4.1: 88,136 of 1,614,006 alleles (5.5%); highest among the groups gnomAD compares: Non-Finnish European, 6.1%; 2,654 homozygotes.

Submissions (16):

Labcorp Genetics (formerly Invitae), Labcorp
Classification: Benign for CHARGE syndrome. Last evaluated: 2026-02-04. Review status: criteria provided, single submitter. Criteria: Invitae Variant Classification Sherloc (09022015). Collection method: clinical testing. Allele origin: germline.

Blueprint Genetics
Classification: Likely benign. Last evaluated: 2024-11-27. Review status: criteria provided, single submitter. Criteria: ACMG Guidelines, 2015. Collection method: clinical testing. Allele origin: germline.

Mayo Clinic Laboratories, Mayo Clinic
Classification: Benign. Last evaluated: 2023-07-19. Review status: criteria provided, single submitter. Criteria: ACMG Guidelines, 2015. Collection method: clinical testing. Allele origin: germline. Observed: 30 variant alleles.

ARUP Laboratories, Molecular Genetics and Genomics, ARUP Laboratories
Classification: Benign. Last evaluated: 2019-09-27. Review status: criteria provided, single submitter. Criteria: ARUP Molecular Germline Variant Investigation Process. Collection method: clinical testing. Allele origin: germline.

Illumina Laboratory Services, Illumina
Classification: Benign for Kallmann Syndrome 5. Last evaluated: 2018-01-13. Review status: criteria provided, single submitter. Criteria: ICSL Variant Classification Criteria 13 December 2019. Collection method: clinical testing. Allele origin: germline.
Comment: This variant was observed in the ICSL laboratory as part of a predisposition screen in an ostensibly healthy population. It had not been previously curated by ICSL or reported in the Human Gene Mutation Database (HGMD: prior to June 1st, 2018), and was therefore a candidate for classification through an automated scoring system. Utilizing variant allele frequency, disease prevalence and penetrance estimates, and inheritance mode, an automated score was calculated to assess if this variant is too frequent to cause the disease. Based on the score and internal cut-off values, a variant classified as benign is not then subjected to further curation. The score for this variant resulted in a classification of benign for this disease.

Laboratory for Molecular Medicine, Mass General Brigham Personalized Medicine
Classification: Benign. Last evaluated: 2017-08-23. Review status: criteria provided, single submitter. Criteria: LMM Criteria. Collection method: clinical testing. Allele origin: germline. Observed: 23 variant alleles.
Comment: p.Thr2452Thr in exon 34 of CHD7: This variant is not expected to have clinical s ignificance because it does not alter an amino acid residue, is not located with in the splice consensus sequence, and has been identified in 5.65% (3768/66736) of European chromosomes by the Exome Aggregation Consortium (ExAC; dbSNP rs2272727).

Athena Diagnostics
Classification: Benign. Last evaluated: 2017-07-27. Review status: criteria provided, single submitter. Criteria: Athena Diagnostics Criteria. Collection method: clinical testing. Allele origin: germline.

Ambry Genetics
Classification: Benign for Inborn genetic diseases. Last evaluated: 2016-03-19. Review status: criteria provided, single submitter. Criteria: Ambry Variant Classification Scheme 2023. Collection method: clinical testing. Allele origin: germline.

GeneDx
Classification: Benign. Last evaluated: 2015-03-03. Review status: criteria provided, single submitter. Criteria: GeneDx Variant Classification Process June 2021. Collection method: clinical testing. Allele origin: germline. Affected: yes.

Eurofins Ntd Llc (ga)
Classification: Benign. Last evaluated: 2014-05-22. Review status: criteria provided, single submitter. Criteria: EGL Classification Definitions 2015. Collection method: clinical testing. Allele origin: germline. Observed: 11 variant alleles, 11 heterozygotes.

Genetic Services Laboratory, University of Chicago
Classification: Benign. Last evaluated: 2013-02-08. Review status: criteria provided, single submitter. Criteria: ACMG Guidelines, 2007. Collection method: clinical testing. Allele origin: germline. Inheritance: Autosomal dominant inheritance.

Breakthrough Genomics
Classification: Benign. Review status: criteria provided, single submitter. Criteria: ACMG Guidelines, 2015. Collection method: not provided. Allele origin: germline. Inheritance: Autosomal dominant inheritance. Affected: yes.

PreventionGenetics, part of Exact Sciences
Classification: Benign. Review status: criteria provided, single submitter. Criteria: ACMG Guidelines, 2015. Collection method: clinical testing. Allele origin: germline.

Clinical Genetics DNA and cytogenetics Diagnostics Lab, Erasmus MC, Erasmus Medical Center
Classification: Benign. Review status: no assertion criteria provided. Collection method: clinical testing. Allele origin: germline. Affected: yes. Study: VKGL Data-share Consensus. Not counted in ClinVar's aggregate classification.

Clinical Genetics, Academic Medical Center
Classification: Benign. Review status: no assertion criteria provided. Collection method: clinical testing. Allele origin: germline. Affected: yes. Study: VKGL Data-share Consensus. Not counted in ClinVar's aggregate classification.

Laboratory of Diagnostic Genome Analysis, Leiden University Medical Center (LUMC)
Classification: Likely benign. Review status: no assertion criteria provided. Collection method: clinical testing. Allele origin: germline. Affected: yes. Study: VKGL Data-share Consensus. Not counted in ClinVar's aggregate classification.

NM_017780.4(CHD7):c.7356A>G (p.Thr2452=)

Gene: CHD7 (chromodomain helicase DNA binding protein 7; plus strand). Cytogenetic location: 8q12.2.
Variant type: single nucleotide variant.
Coding change: c.7356A>G on transcript NM_017780.4 (MANE Select); coding-DNA position 7356, A replaced by G.
Protein change: p.Thr2452=; no amino-acid change (threonine 2452 retained).
Molecular consequence: synonymous variant. On other transcripts: intron variant (1).
Genome position (GRCh38, 1-based): chr8:60,856,636, A>G. VCF-style: chr8-60856636-A-G. GRCh37 (hg19) VCF-style: chr8-61769195-A-G.
Other names: p.Thr2452=; c.1717-5593A>G (NM_001316690.1).
Identifiers: ClinVar variation 95811 (VCV000095811.44), dbSNP rs2272727, ClinGen allele CA148888.